The following is an entry in ClinVar:

ClinVar aggregate classification (germline): Pathogenic. Review status: criteria provided, multiple submitters, no conflicts (2 of 4 stars). 7 submissions from 7 submitters: Pathogenic (5). 2 of the submissions do not count toward it. Last evaluated 2025-06-15.

Conditions:
Charcot-Marie-Tooth disease. Also called: Charcot-Marie-Tooth Neuropathy; Charcot-Marie-Tooth Hereditary Neuropathy. Identifiers: Orphanet 166, MedGen C0007959, MONDO:0015626.
FGD4-related disorder. Also called: FGD4-related condition.
Charcot-Marie-Tooth disease type 4. Also called: Charcot-Marie-Tooth disease, type IV; Charcot-Marie-Tooth, Type 4. Identifiers: Orphanet 64749, MedGen C4082197, MONDO:0018995.
Charcot-Marie-Tooth disease type 4H (CMT4H). Also called: CHARCOT-MARIE-TOOTH DISEASE, AUTOSOMAL RECESSIVE, TYPE 4H; CHARCOT-MARIE-TOOTH DISEASE, DEMYELINATING, AUTOSOMAL RECESSIVE, TYPE 4H; CHARCOT-MARIE-TOOTH NEUROPATHY, TYPE 4H; CHARCOT-MARIE-TOOTH DISEASE, DEMYELINATING, TYPE 4H. Identifiers: Orphanet 99954, MedGen C1836336, MONDO:0012250, OMIM 609311.

Submissions (7):

Labcorp Genetics (formerly Invitae), Labcorp
Classification: Pathogenic for Charcot-Marie-Tooth disease type 4. Last evaluated: 2025-06-15. Review status: criteria provided, single submitter. Criteria: Invitae Variant Classification Sherloc (09022015). Collection method: clinical testing. Allele origin: germline.
Comment: This sequence change creates a premature translational stop signal (p.Lys630Asnfs*5) in the FGD4 gene. It is expected to result in an absent or disrupted protein product. Loss-of-function variants in FGD4 are known to be pathogenic (PMID: 17564972). The frequency data for this variant in the population databases is considered unreliable, as metrics indicate poor data quality at this position in the gnomAD database. This premature translational stop signal has been observed in individual(s) with Charcot-Marie-Tooth disease (PMID: 25231362). ClinVar contains an entry for this variant (Variation ID: 419181). For these reasons, this variant has been classified as Pathogenic.

Genomic Medicine Center of Excellence, King Faisal Specialist Hospital and Research Centre
Classification: Pathogenic for Charcot-Marie-Tooth disease type 4H. Last evaluated: 2024-12-18. Review status: criteria provided, single submitter. Criteria: ACMG Guidelines, 2015. Collection method: clinical testing. Allele origin: germline.

Kariminejad - Najmabadi Pathology & Genetics Center
Classification: Pathogenic for Charcot-Marie-Tooth disease type 4H. Last evaluated: 2024-03-11. Review status: criteria provided, single submitter. Criteria: ACMG Guidelines, 2015. Collection method: clinical testing. Allele origin: germline. Inheritance: Autosomal recessive inheritance. Affected: yes.
Comment: PVS1_Strong,PP5_Strong,PM2_Moderate

Blueprint Genetics
Classification: Pathogenic for FGD4-related disorders. Last evaluated: 2023-10-23. Review status: criteria provided, single submitter. Criteria: ACMG Guidelines, 2015. Collection method: clinical testing. Allele origin: germline. Affected: yes. Observed: 2 variant alleles.

GeneDx
Classification: Pathogenic. Last evaluated: 2017-02-21. Review status: criteria provided, single submitter. Criteria: GeneDx Variant Classification (06012015). Collection method: clinical testing. Allele origin: germline. Affected: yes.
Comment: The c.1887_1891delAAAAG variant was identified after homozygosity mapping in an individual with autosomal recessive Charcot Marie tooth disease (ARCMT); however no additional information was provided (Zimon et al., 2015). The c.1887_1891delAAAAG variant is not observed at a significant frequency in large population cohorts (Lek et al., 2016; 1000 Genomes Consortium et al., 2015; Exome Variant Server). The c.1887_1891delAAAAG variant in the FGD4 gene causes a frameshift starting with codon Lysine 630, changes this amino acid to a Asparagine residue and creates a premature Stop codon at position 5 of the new reading frame, denoted p.K630NfsX5. This pathogenic variant is predicted to cause loss of normal protein function either through protein truncation or nonsense-mediated mRNA decay. Therefore, the c.1887_1891delAAAAG variant is considered to be a pathogenic variant.

Inherited Neuropathy Consortium Ii, University Of Miami
Classification: Uncertain significance for Charcot-Marie-Tooth disease type 4H. Last evaluated: 2016-01-06. Review status: no assertion criteria provided. Collection method: literature only. Allele origin: germline. Affected: yes. Not counted in ClinVar's aggregate classification.

Inherited Neuropathy Consortium
Classification: Uncertain significance for Charcot-Marie-Tooth disease. Review status: no assertion criteria provided. Collection method: literature only. Allele origin: germline. Affected: yes. Not counted in ClinVar's aggregate classification.

Literature cited by the submitters: PubMed 17564972 (cited by Labcorp Genetics (formerly Invitae), Labcorp); PubMed 25231362 (cited by 3 submitters).

NM_001370298.3(FGD4):c.2298_2302del (p.Lys767fs)

Gene: FGD4 (FYVE, RhoGEF and PH domain containing 4; plus strand). Cytogenetic location: 12p11.21.
Variant type: Microsatellite.
Coding change: c.2298_2302del on transcript NM_001370298.3 (MANE Select); coding-DNA positions 2298 to 2302, 5 bases deleted (AAAAG; older notation c.2298_2302delAAAAG).
Protein change: p.Lys767fs; shifts the reading frame from lysine 767.
Molecular consequence: frameshift variant.
Genome position (GRCh38, 1-based): chr12:32,633,674-32,633,678, AAAAG deleted; deleting any 5 consecutive bases within chr12:32,633,661-32,633,678 gives the same sequence; the c. name uses the placement nearest the transcript's 3' end. VCF-style (leftmost placement, unchanged base first): chr12-32633660-GAAGAA-G. GRCh37 (hg19) VCF-style: chr12-32786594-GAAGAA-G.
Other names: c.1887_1891delAAAAG (NM_139241.3); c.2132_2136AAAAG[2], p.Lys715Asnfs (NM_001304481.2); c.1143_1147del, p.Lys382fs (NM_001304483.2); c.855_859del, p.Lys286fs (NM_001304484.2); c.1608_1612del, p.Lys537fs (NM_001330373.2, NM_001330374.2, NM_001384130.1); c.1335_1339del, p.Lys446fs (NM_001370297.1); c.2298_2302del, p.Lys767fs (NM_001384126.1); c.1887_1891del, p.Lys630fs (NM_001384127.1, NM_001384128.1, NM_001385118.1 and 1 more transcripts); short protein forms K382fs, K286fs, K446fs, K537fs, K630fs, K715fs, K767fs.
Identifiers: ClinVar variation 419181 (VCV000419181.16), dbSNP rs751035912, ClinGen allele CA6507028.
Genomic context (GRCh38, chr12:32,633,660, plus strand): 5'-GGTAAATTGAGCAAAGTTTGTAAAGACTGTTATCAAATCATAAGTGGATTCACAGACAGT[GAAGAA>G]AAGAAAAGAAAAGGAATTTTAGAGGTAAGAAATATTAAATATTGGATATCTTTTAGATTA-3'